The following is an entry in ClinVar:

NM_000038.6(APC):c.6666T>C (p.Pro2222=)

Gene: APC (APC regulator of WNT signaling pathway; plus strand). Cytogenetic location: 5q22.2.
Variant type: single nucleotide variant.
Coding change: c.6666T>C on transcript NM_000038.6 (MANE Select); coding-DNA position 6666, T replaced by C.
Protein change: p.Pro2222=; no amino-acid change (proline 2222 retained).
Molecular consequence: synonymous variant. On other transcripts: non-coding transcript variant (2).
Genome position (GRCh38, 1-based): chr5:112,842,260, T>C. VCF-style: chr5-112842260-T-C. GRCh37 (hg19) VCF-style: chr5-112177957-T-C.
Other names: c.6666T>C, p.Pro2222= (NM_001127510.3, NM_001354895.2, NM_001407450.1); c.6720T>C, p.Pro2240= (NM_001354896.2, NM_001407447.1, NM_001407448.1 and 1 more transcripts); c.6612T>C, p.Pro2204= (NM_001127511.3); c.6696T>C, p.Pro2232= (NM_001354897.2); c.6591T>C, p.Pro2197= (NM_001354898.2); c.6582T>C, p.Pro2194= (NM_001354899.2); c.6543T>C, p.Pro2181= (NM_001354900.2); c.6489T>C, p.Pro2163= (NM_001354901.2, NM_001407453.1); and 11 more.
Identifiers: ClinVar variation 3073547 (VCV003073547.1), dbSNP rs2149970191, ClinGen allele CA446209897.
Genomic context (GRCh38, chr5:112,842,260, plus strand): 5'-AGTTCGATCTAATTCAGAAATTTCAGGCCAAATGAAACAGCCCCTTCAAGCAAACATGCC[T>C]TCAATCTCTCGAGGCAGGACAATGATTCATATTCCAGGAGTTCGAAATAGCTCCTCAAGT-3'
Protein context (NP_000029.2, residues 2212-2232): QMKQPLQANM[Pro2222=]SISRGRTMIH

ClinVar aggregate classification (germline): Likely benign (1 of 4 stars; one submission).

Conditions:
Classic or attenuated familial adenomatous polyposis. Identifiers: MedGen CN372698, MONDO:0021057.

Submission:

All of Us Research Program, National Institutes of Health
Classification: Likely benign for Classic or attenuated familial adenomatous polyposis. Last evaluated: 2023-10-02. Review status: criteria provided, single submitter. Criteria: ACMG Guidelines, 2015. Collection method: clinical testing. Allele origin: germline. Inheritance: Autosomal dominant inheritance. Observed: 1 variant allele, 1 heterozygote.
Comment: This study involves interpretation of variants in research participants for the purpose of population health screening. Participant phenotype was not available at the time of variant classification. Additional details can be found in publication PMID: 35346344, PMCID: PMC8962531